The following is an entry in ClinVar:

NM_001206671.4(RIC3):c.74A>G (p.Lys25Arg)

Gene: RIC3 (RIC3 acetylcholine receptor chaperone; minus strand). Cytogenetic location: 11p15.4.
Variant type: single nucleotide variant.
Coding change: c.74A>G on transcript NM_001206671.4 (MANE Select); coding-DNA position 74, A replaced by G.
Protein change: p.Lys25Arg; replaces lysine 25 with arginine.
Molecular consequence: missense variant. On other transcripts: 5 prime UTR variant (4), non-coding transcript variant (3).
Genome position (GRCh38, 1-based): chr11:8,168,916, T>C on the plus strand (A>G on the coding strand, the complement: RIC3 is on the minus strand). VCF-style: chr11-8168916-T-C. GRCh37 (hg19) VCF-style: chr11-8190463-T-C.
Other names: c.74A>G, p.Lys25Arg (NM_001135109.4, NM_001206672.4, NM_001346691.2 and 1 more transcripts); c.-546A>G (NM_001346690.2); c.-123A>G (NM_001346692.2, NM_001346693.2, NM_001346694.2); short protein forms K25R.
Identifiers: ClinVar variation 3043381 (VCV003043381.2), dbSNP rs145965152, ClinGen allele CA5871933.

ClinVar aggregate classification (germline): Likely benign (0 of 4 stars; one submission).

Conditions:
RIC3-related disorder. Also called: RIC3-related condition.

Allele frequency attached by ClinVar (database versions not stated): 1000 Genomes Project 0.00060; 1000 Genomes Project 30x 0.00062; ESP Exome Variant Server 0.00100; gnomAD 0.00109; TOPMed 0.00114; ExAC 0.00139.
gnomAD v4.1: 2,532 of 1,611,858 alleles (0.16%); highest among the groups gnomAD compares: Non-Finnish European, 0.19%; 4 homozygotes.

Submission:

PreventionGenetics, part of Exact Sciences
Classification: Likely benign for RIC3-related condition. Last evaluated: 2023-01-12. Review status: no assertion criteria provided. Collection method: clinical testing. Allele origin: germline.
Comment: This variant is classified as likely benign based on ACMG/AMP sequence variant interpretation guidelines (Richards et al. 2015 PMID: 25741868, with internal and published modifications).